The following is an entry in ClinVar:

ClinVar aggregate classification (germline): Uncertain significance. Review status: criteria provided, multiple submitters, no conflicts (2 of 4 stars). 2 submissions from 2 submitters: Uncertain significance (2). Last evaluated 2019-06-04.

Conditions:
Hereditary cancer-predisposing syndrome. Also called: Hereditary neoplastic syndrome; Tumor predisposition; Neoplastic Syndromes, Hereditary; Hereditary Cancer Syndrome. Identifiers: Orphanet 140162, MedGen C0027672, MeSH D009386, MONDO:0015356.

Submissions (2):

Color Diagnostics, LLC DBA Color Health
Classification: Uncertain significance for Hereditary cancer-predisposing syndrome. Last evaluated: 2019-06-04. Review status: criteria provided, single submitter. Criteria: ACMG Guidelines, 2015. Collection method: clinical testing. Allele origin: germline.

GeneDx
Classification: Uncertain significance. Last evaluated: 2014-10-22. Review status: criteria provided, single submitter. Criteria: GeneDx Variant Classification (06012015). Collection method: clinical testing. Allele origin: germline. Affected: yes.
Comment: This variant is denoted ATM c.3154G>A at the cDNA level, p.Ala1052Thr (A1052T) at the protein level, and results in the change of an Alanine to a Threonine (GCT>ACT). This variant has not, to our knowledge, been published in the literature as pathogenic or benign. ATM Ala1052Thr was not observed in approximately 6,500 individuals of European and African American ancestry in the NHLBI Exome Sequencing Project, indicating it is not a common benign variant in these populations. Since Alanine and Threonine differ in polarity, charge, size or other properties, this is considered a non-conservative amino acid substitution. ATM Ala1052Thr occurs at a position that is moderately conserved across species and is located in the region of interaction with beta-adaptin (Tavtigian 2009). In silico analyses are inconsistent regarding the effect this variant may have on protein structure and function. Based on currently available information, it is unclear whether ATM Ala1052Thr is pathogenic or benign. We consider it to be a variant of uncertain significance.

NM_000051.4(ATM):c.3154G>A (p.Ala1052Thr)

Gene: ATM (ATM serine/threonine kinase; plus strand). Cytogenetic location: 11q22.3.
Variant type: single nucleotide variant.
Coding change: c.3154G>A on transcript NM_000051.4 (MANE Select); coding-DNA position 3154, G replaced by A.
Protein change: p.Ala1052Thr; replaces alanine 1052 with threonine.
Molecular consequence: missense variant.
Genome position (GRCh38, 1-based): chr11:108,272,722, G>A. VCF-style: chr11-108272722-G-A. GRCh37 (hg19) VCF-style: chr11-108143449-G-A.
Other names: c.3154G>A, p.Ala1052Thr (NM_001351834.2); short protein forms A1052T.
Identifiers: ClinVar variation 418030 (VCV000418030.4), dbSNP rs1064793036, ClinGen allele CA16619154.